The following is an entry in ClinVar:

ClinVar aggregate classification (germline): Likely pathogenic (1 of 4 stars; one submission).

Conditions:
Schaaf-Yang syndrome (SHFYNG). Also called: Arthrogryposis, distal, with hypopituitarism, intellectual disability, and facial anomalies; MAGEL2-related Prader-Willi-like syndrome. Identifiers: Orphanet 398069, MedGen C5575066, MONDO:0014243, OMIM 615547.

Submission:

HudsonAlpha Institute for Biotechnology
Classification: Likely pathogenic for Schaaf-Yang syndrome. Last evaluated: 2022-05-06. Review status: criteria provided, single submitter. Criteria: ACMG Guidelines, 2015. Collection method: research. Allele origin: unknown. Affected: yes. Observed: 1 variant allele. Study: HudsonAlpha-AGHI-WGS.
Comment: ACMG codes: PVS1, PM2

NM_019066.5(MAGEL2):c.3131C>A (p.Ser1044Ter)

Gene: MAGEL2 (MAGE family member L2; minus strand). Cytogenetic location: 15q11.2.
Variant type: single nucleotide variant.
Coding change: c.3131C>A on transcript NM_019066.5 (MANE Select); coding-DNA position 3131, C replaced by A.
Protein change: p.Ser1044Ter; replaces serine 1044 with a stop codon.
Molecular consequence: nonsense.
Genome position (GRCh38, 1-based): chr15:23,644,612, G>T on the plus strand (C>A on the coding strand, the complement: MAGEL2 is on the minus strand). VCF-style: chr15-23644612-G-T. GRCh37 (hg19) VCF-style: chr15-23889759-G-T.
Other names: short protein forms S1044*.
Identifiers: ClinVar variation 1684524 (VCV001684524.1), dbSNP rs1267004913, ClinGen allele CA391325539.